The following is an entry in ClinVar:

ClinVar aggregate classification (germline): Uncertain significance (1 of 4 stars; one submission).

Submission:

GeneDx
Classification: Uncertain significance. Last evaluated: 2023-04-16. Review status: criteria provided, single submitter. Criteria: GeneDx Variant Classification Process June 2021. Collection method: clinical testing. Allele origin: germline. Affected: yes.
Comment: Not observed at significant frequency in large population cohorts (gnomAD); In silico analysis supports that this missense variant has a deleterious effect on protein structure/function; Has not been previously published as pathogenic or benign to our knowledge

NM_015570.4(AUTS2):c.205C>T (p.Arg69Trp)

Gene: AUTS2 (activator of transcription and developmental regulator AUTS2; plus strand). Cytogenetic location: 7q11.22.
Variant type: single nucleotide variant.
Coding change: c.205C>T on transcript NM_015570.4 (MANE Select); coding-DNA position 205, C replaced by T.
Protein change: p.Arg69Trp; replaces arginine 69 with tryptophan.
Molecular consequence: missense variant.
Genome position (GRCh38, 1-based): chr7:69,599,858, C>T. VCF-style: chr7-69599858-C-T. GRCh37 (hg19) VCF-style: chr7-69064844-C-T.
Other names: c.205C>T, p.Arg69Trp (NM_001127231.3, NM_001127232.3); short protein forms R69W.
Identifiers: ClinVar variation 2662670 (VCV002662670.1), dbSNP rs1024257295, ClinGen allele CA367703061.